The following is an entry in ClinVar:

NM_003640.5(ELP1):c.1787_1788del (p.Ser596fs)

Gene: ELP1 (elongator acetyltransferase complex subunit 1; minus strand). Cytogenetic location: 9q31.3.
Variant type: Microsatellite.
Coding change: c.1787_1788del on transcript NM_003640.5 (MANE Select); coding-DNA positions 1787 to 1788, 2 bases deleted (CT; older notation c.1787_1788delCT).
Protein change: p.Ser596fs; shifts the reading frame from serine 596.
Molecular consequence: frameshift variant.
Genome position (GRCh38, 1-based): chr9:108,902,905-108,902,906, AG deleted on the plus strand (CT on the coding strand, the reverse complement: ELP1 is on the minus strand); deleting any 2 consecutive bases within chr9:108,902,905-108,902,908 gives the same sequence; the c. name uses the placement nearest the transcript's 3' end. VCF-style (leftmost placement, unchanged base first): chr9-108902904-CAG-C. GRCh37 (hg19) VCF-style: chr9-111665184-CAG-C.
Other names: c.1445_1446del, p.Ser482fs (NM_001318360.2); c.740_741del, p.Ser247fs (NM_001330749.2); c.1787_1788del (NM_003640.4); short protein forms S247fs, S482fs, S596fs.
Identifiers: ClinVar variation 4759288 (VCV004759288.2).

ClinVar aggregate classification (germline): Likely pathogenic. Review status: criteria provided, multiple submitters, no conflicts (2 of 4 stars). 2 submissions from 2 submitters: Likely pathogenic (2). Last evaluated 2024-11-15.

Conditions:
Familial dysautonomia. Also called: HSAN III; FD. Identifiers: Orphanet 1764, MedGen C0013364, MONDO:0009131, OMIM 223900. Disease mechanism: loss of function.
ELP1-Associated Medulloblastoma. Identifiers: MedGen C5670652.

Submissions (2):

Natera, Inc.
Classification: Likely pathogenic for Familial dysautonomia. Last evaluated: 2024-11-15. Review status: criteria provided, single submitter. Criteria: Natera Variant Classification Schema (03/2026). Collection method: clinical testing. Allele origin: germline.
Comment: The c.1787_1788del variant in ELP1 is a frameshift variant predicted to shift the reading frame beginning at codon 596 and leads to a stop codon 30 codons downstream. This variant is expected to result in nonsense mediated decay, truncation, or a dysfunctional protein product. This variant is rare in the general population with a frequency below the threshold expected for the associated phenotype(s). Given the available evidence, this variant is classified as Likely Pathogenic.

Institute for Genomic Medicine (IGM) Clinical Laboratory, Nationwide Children's Hospital
Classification: Likely pathogenic for ELP1-Associated Medulloblastoma. Last evaluated: 2024-01-18. Review status: criteria provided, single submitter. Criteria: ACMG Guidelines, 2015. Collection method: clinical testing. Allele origin: germline.
Comment: This variant is predicted to result in loss of function through nonsense-mediated decay of the encoded transcript or premature truncation of the encoded protein in a gene in which loss of function is a known mechanism of disease (ACMG/AMP: PVS1). This variant is absent from or present at an exceedingly low frequency in gnomAD, a large-scale control population database (ACMG/AMP: PM2).